The following is an entry in ClinVar:

ClinVar aggregate classification (germline): Benign. Review status: criteria provided, multiple submitters, no conflicts (2 of 4 stars). 4 submissions from 4 submitters: Benign (4). Last evaluated 2026-02-03.

Conditions:
Autosomal recessive nonsyndromic hearing loss 8 (DFNB8). Also called: Deafness, autosomal recessive 10; NEUROSENSORY NONSYNDROMIC RECESSIVE DEAFNESS 8. Identifiers: Orphanet 90636, MedGen C1832827, MONDO:0010987, OMIM 601072.

Allele frequency attached by ClinVar (database versions not stated): gnomAD 0.00940 and 0.00897; ESP Exome Variant Server 0.01007; gnomAD exomes 0.01243 and 0.00843; 1000 Genomes Project 0.00260; 1000 Genomes Project 30x 0.00281; TOPMed 0.00819; ExAC 0.00856.
gnomAD v4.1: 19,434 of 1,613,834 alleles (1.2%); highest among the groups gnomAD compares: Non-Finnish European, 1.4%; 120 homozygotes.

Submissions (4):

Labcorp Genetics (formerly Invitae), Labcorp
Classification: Benign. Last evaluated: 2026-02-03. Review status: criteria provided, single submitter. Criteria: Invitae Variant Classification Sherloc (09022015). Collection method: clinical testing. Allele origin: germline.

ARUP Laboratories, Molecular Genetics and Genomics, ARUP Laboratories
Classification: Benign for Autosomal recessive nonsyndromic hearing loss 8. Last evaluated: 2022-09-13. Review status: criteria provided, single submitter. Criteria: ARUP Molecular Germline Variant Investigation Process 2021. Collection method: clinical testing. Allele origin: germline.

Laboratory for Molecular Medicine, Mass General Brigham Personalized Medicine
Classification: Benign. Last evaluated: 2010-10-20. Review status: criteria provided, single submitter. Criteria: LMM Criteria. Collection method: clinical testing. Allele origin: germline. Observed: 41 variant alleles.
Comment: This variant has been identified in 5/158 (3.2%) probands tested by our laborato ry. It is al so not predicted to impact splicing.

PreventionGenetics, part of Exact Sciences
Classification: Benign. Review status: criteria provided, single submitter. Criteria: ACMG Guidelines, 2015. Collection method: clinical testing. Allele origin: germline.

NM_001256317.3(TMPRSS3):c.617-18C>T

Gene: TMPRSS3 (transmembrane serine protease 3; minus strand). Cytogenetic location: 21q22.3.
Variant type: single nucleotide variant.
Coding change: c.617-18C>T on transcript NM_001256317.3 (MANE Select); 18 bases into the intron before coding-DNA position 617, C replaced by T.
Molecular consequence: intron variant.
Genome position (GRCh38, 1-based): chr21:42,383,216, G>A on the plus strand (C>T on the coding strand, the complement: TMPRSS3 is on the minus strand). VCF-style: chr21-42383216-G-A. GRCh37 (hg19) VCF-style: chr21-43803325-G-A.
Other names: c.617-18C>T (NM_024022.4, NM_032405.2); c.236-18C>T (NM_032404.3).
Identifiers: ClinVar variation 46125 (VCV000046125.22), dbSNP rs225431, ClinGen allele CA137722.
Genomic context (GRCh38, chr21:42,383,216, plus strand): 5'-CCACCCACGATGCGTGAGCTGTAGCCCCTTCTATGACCACAGGCTATGGAGGGGAACAAA[G>A]GCTTGTGGGTCCACCCTGCAGACTTCTTTGGGGGACATGGTGTCACCACCATGCACCTGC-3'